The following is an entry in ClinVar:

ClinVar aggregate classification (germline): Uncertain significance. Review status: criteria provided, single submitter (1 of 4 stars). 2 submissions from 2 submitters: Uncertain significance (1). 1 of the submissions does not count toward it. Last evaluated 2022-05-25.

Conditions:
MKS1-related disorder. Also called: MKS1-related disorders; MKS1-related condition. Identifiers: MedGen CN239382.
Meckel-Gruber syndrome. Also called: Dysencephalia splachnocystica; DYSENCEPHALIA SPLANCHNOCYSTICA; GRUBER SYNDROME. Identifiers: Orphanet 564, MedGen C0265215, MONDO:0018921.
Joubert syndrome. Also called: JOUBERT-BOLTSHAUSER SYNDROME; Familial aplasia of the vermis. Identifiers: Orphanet 475, MedGen C5979921, MONDO:0018772.

Allele frequency attached by ClinVar (database versions not stated): ExAC 0.00002; TOPMed 0.00002; gnomAD 0.00003.
gnomAD v4.1: 16 of 1,613,904 alleles (0.00099%); highest among the groups gnomAD compares: South Asian, 0.0033%; no homozygotes.

Submissions (2):

Labcorp Genetics (formerly Invitae), Labcorp
Classification: Uncertain significance for Joubert syndrome; Meckel-Gruber syndrome. Last evaluated: 2022-05-25. Review status: criteria provided, single submitter. Criteria: Invitae Variant Classification Sherloc (09022015). Collection method: clinical testing. Allele origin: germline.
Comment: This sequence change replaces arginine, which is basic and polar, with tryptophan, which is neutral and slightly polar, at codon 510 of the MKS1 protein (p.Arg510Trp). This variant is present in population databases (rs757310695, gnomAD 0.008%). This variant has not been reported in the literature in individuals affected with MKS1-related conditions. Advanced modeling of protein sequence and biophysical properties (such as structural, functional, and spatial information, amino acid conservation, physicochemical variation, residue mobility, and thermodynamic stability) performed at Invitae indicates that this missense variant is not expected to disrupt MKS1 protein function. In summary, the available evidence is currently insufficient to determine the role of this variant in disease. Therefore, it has been classified as a Variant of Uncertain Significance.

PreventionGenetics, part of Exact Sciences
Classification: Uncertain significance for MKS1-related condition. Last evaluated: 2024-06-01. Review status: no assertion criteria provided. Collection method: clinical testing. Allele origin: germline. Not counted in ClinVar's aggregate classification.
Comment: The MKS1 c.1528C>T variant is predicted to result in the amino acid substitution p.Arg510Trp. To our knowledge, this variant has not been reported in the literature. This variant is reported in 0.0083% of alleles in individuals of African descent in gnomAD. At this time, the clinical significance of this variant is uncertain due to the absence of conclusive functional and genetic evidence.

NM_017777.4(MKS1):c.1528C>T (p.Arg510Trp)

Gene: MKS1 (MKS transition zone complex subunit 1; minus strand). Cytogenetic location: 17q22.
Variant type: single nucleotide variant.
Coding change: c.1528C>T on transcript NM_017777.4 (MANE Select); coding-DNA position 1528, C replaced by T.
Protein change: p.Arg510Trp; replaces arginine 510 with tryptophan.
Molecular consequence: missense variant. On other transcripts: synonymous variant (1).
Genome position (GRCh38, 1-based): chr17:58,206,343, G>A on the plus strand (C>T on the coding strand, the complement: MKS1 is on the minus strand). VCF-style: chr17-58206343-G-A. GRCh37 (hg19) VCF-style: chr17-56283704-G-A.
Other names: c.919C>T, p.Arg307Trp (NM_001321268.2); c.1445C>T, p.Ala482Val (NM_001321269.2); c.1311C>T, p.Cys437= (NM_001330397.2); c.1528C>T (NM_017777.3); short protein forms R510W, A482V, R307W.
Identifiers: ClinVar variation 1507440 (VCV001507440.6), dbSNP rs757310695, ClinGen allele CA8669093.
Genomic context (GRCh38, chr17:58,206,343, plus strand): 5'-CTAGCACATTGTGAATGGAACTCTGCTGGCTGAACCCTTCCAGACGGTCCAACACACTCC[G>A]CATCCTTTTCTGAAGGGAGCTCGATTCCATGAAGGCCCTGCAGGGAGGCCAGCCACATGG-3'
Protein context (NP_060247.2, residues 500-520): MESSSLQKRM[Arg510Trp]SVLDRLEGFS